The following is an entry in ClinVar:

NM_001378477.3(NYX):c.70_93del (p.Arg24_Ala31del)

Gene: NYX (nyctalopin; plus strand). Cytogenetic location: Xp11.4.
Variant type: Deletion.
Coding change: c.70_93del on transcript NM_001378477.3 (MANE Select); coding-DNA positions 70 to 93, 24 bases deleted (CGCGCTTGTCCCGCCGCCTGCGCC).
Protein change: p.Arg24_Ala31del.
Molecular consequence: inframe deletion.
Genome position (GRCh38, 1-based): chrX:41,473,538-41,473,561, CGCGCTTGTCCCGCCGCCTGCGCC deleted; deleting any 24 consecutive bases within chrX:41,473,529-41,473,561 gives the same sequence; the c. name uses the placement nearest the transcript's 3' end. VCF-style (leftmost placement, unchanged base first): chrX-41473528-GGCCTGCGCCCGCGCTTGTCCCGCC-G. GRCh37 (hg19) VCF-style: chrX-41332781-GGCCTGCGCCCGCGCTTGTCCCGCC-G.
Other names: c.85_108del24 (NM_022567.2); c.70_93del, p.Arg24_Ala31del (NM_022567.3); c.85_108del (NM_001378477.1).
Identifiers: ClinVar variation 99841 (VCV000099841.21), dbSNP rs281865194, ClinGen allele CA227954.
Genomic context (GRCh38, chrX:41,473,528, plus strand): 5'-TCCCCACCACCCTGTCCCCGCAGCGGTGGTCCTCGGCCTGCCCAGCGCCTGGGCCGTGGG[GGCCTGCGCCCGCGCTTGTCCCGCC>G]GCCTGCGCCTGCAGCACCGTGGAGCGCGGCTGCTCGGTGCGCTGCGACCGCGCGGGCCTC-3'

ClinVar aggregate classification (germline): Pathogenic/Likely pathogenic. Review status: criteria provided, multiple submitters, no conflicts (2 of 4 stars). 10 submissions from 10 submitters: Pathogenic (7); Likely pathogenic (1). 2 of the submissions do not count toward it. Last evaluated 2026-05-05.

Conditions:
NYX-related disorder. Also called: NYX-related condition.
Congenital stationary night blindness 1A (CSNB1A). Also called: HEMERALOPIA-MYOPIA; MYOPIA-NIGHT BLINDNESS; NIGHT BLINDNESS, CONGENITAL STATIONARY, WITH MYOPIA; NYX-Related X-Linked Congenital Stationary Night Blindness; Night blindness, congenital stationary (complete), 1A, X-linked; CSNB, COMPLETE, X-LINKED. Identifiers: Orphanet 215, MedGen C3495587, MONDO:0010690, OMIM 310500.

Submissions (10):

PreventionGenetics, part of Exact Sciences
Classification: Pathogenic for NYX-related condition. Last evaluated: 2026-05-05. Review status: criteria provided, single submitter. Criteria: ACMG Guidelines, 2015. Collection method: clinical testing. Allele origin: germline.
Comment: The NYX c.85_108del24 variant is predicted to result in an in-frame deletion (p.Arg29_Ala36del). This variant has been reported in individuals with congenital stationary night blindness (Bech-Hansen et al. 2000. PubMed ID: 11062471; Table S1, Griffith et al. 2022. PubMed ID: 36011402; Areblom et al. 2023. PubMed ID: 37510321) and segregates with disease in affected families (Bech-Hansen et al. 2000. PubMed ID: 11062471). This variant is present in 0.010% of alleles in individuals of European (Non-Finnish) descent in gnomAD. This variant is interpreted as pathogenic.

Labcorp Genetics (formerly Invitae), Labcorp
Classification: Pathogenic. Last evaluated: 2025-12-23. Review status: criteria provided, single submitter. Criteria: Invitae Variant Classification Sherloc (09022015). Collection method: clinical testing. Allele origin: germline.
Comment: This variant, c.85_108del, results in the deletion of 8 amino acid(s) of the NYX protein (p.Arg29_Ala36del), but otherwise preserves the integrity of the reading frame. This variant is present in population databases (rs281865194, gnomAD 0.01%). This variant has been observed in individuals with congenital stationary night blindness (PMID: 11062471, 19578023). It has also been observed to segregate with disease in related individuals. This variant is also known as 85–108del24nt (RACPAACA29-36del). ClinVar contains an entry for this variant (Variation ID: 99841). For these reasons, this variant has been classified as Pathogenic.

Ophthalmic Genetics and Bioinformatics Laboratory, Shanghai Puxi and Light Genomics Technology Co., Ltd.
Classification: Likely pathogenic for Congenital stationary night blindness 1A. Last evaluated: 2025-06-16. Review status: criteria provided, single submitter. Criteria: ACMG Guidelines, 2015. Collection method: clinical testing. Allele origin: maternal. Affected: yes.
Comment: The variant is rated as PS4_Supporting + PM2_Supporting + PM4 + PP1_Strong based on the following evidence: According to internal databases and literature reports, this variant has been detected in multiple individuals with myopia and congenital stationary night blindness (PMID: 11062471, 19578023). The variant is extremely rare or absent in the ExAC, gnomAD, and 1000 Genomes Asian population databases, indicating a low population frequency. It also involves an insertion/deletion or a truncating mutation within a non-repetitive region, leading to a change in the protein length. Literature reports have also shown that this variant is co-segregated with the disease in multiple families with congenital stationary night blindness.

Clinical Genomics Laboratory, Washington University in St. Louis
Classification: Pathogenic for Congenital stationary night blindness 1A. Last evaluated: 2024-05-08. Review status: criteria provided, single submitter. Criteria: ACMG Guidelines, 2015. Collection method: clinical testing. Allele origin: germline. Affected: yes.
Comment: The NYX c.85_108del (p.Arg29_Ala36del) variant has been reported in 29 individuals in eight families with X-linked complete congenital stationary night blindness (Bech-Hansen NT et al., PMID: 11062471; Zeitz C et al., PMID: 19578023). A genotype analysis of the X chromosomes with this deletion suggest that this is a common founder mutation. This variant is only observed on 1/19,558 alleles in the general population (gnomAD v.2.1.1), indicating it is not a common variant. This variant is predicted to cause a change in the length of the protein due to an in-frame deletion of eight amino acids in a non-repeat region. This variant has been reported in the ClinVar database as a germline pathogenic variant by six submitters. Based on available information and the ACMG/AMP guidelines for variant interpretation (Richards S et al., PMID: 25741868), this variant is classified as pathogenic.

Blueprint Genetics
Classification: Pathogenic for NYX-related disorders. Last evaluated: 2023-05-19. Review status: criteria provided, single submitter. Criteria: ACMG Guidelines, 2015. Collection method: clinical testing. Allele origin: germline. Affected: yes. Observed: 5 variant alleles.

GeneDx
Classification: Pathogenic. Last evaluated: 2023-03-20. Review status: criteria provided, single submitter. Criteria: GeneDx Variant Classification Process June 2021. Collection method: clinical testing. Allele origin: germline. Affected: yes.
Comment: In-frame deletion of 8 amino acids in a non-repeat region; In silico analysis supports a deleterious effect on protein structure/function; This variant is associated with the following publications: (PMID: 18617546, 11062471, 19578023)

Institute of Medical Genetics and Applied Genomics, University Hospital Tübingen
Classification: Pathogenic. Last evaluated: 2020-10-23. Review status: criteria provided, single submitter. Criteria: ACMG Guidelines, 2015. Collection method: clinical testing. Allele origin: germline. Inheritance: X-linked recessive inheritance. Affected: yes.

Eurofins Ntd Llc (ga)
Classification: Pathogenic. Last evaluated: 2015-07-21. Review status: criteria provided, single submitter. Criteria: EGL Classification Definitions 2015. Collection method: clinical testing. Allele origin: germline. Observed: 1 variant allele, 1 hemizygote.

OMIM
Classification: Pathogenic for NIGHT BLINDNESS, CONGENITAL STATIONARY, TYPE 1A. Last evaluated: 2000-11-01. Review status: no assertion criteria provided. Collection method: literature only. Allele origin: germline. Not counted in ClinVar's aggregate classification.

Retina International
No classification provided. Review status: no classification provided. Collection method: not provided. Allele origin: not provided. Not counted in ClinVar's aggregate classification.

Literature cited by the submitters: PubMed 11062471 (cited by 4 submitters); PubMed 19578023 (cited by 3 submitters).